The following is an entry in ClinVar:

NM_000297.4(PKD2):c.1359A>G (p.Pro453=)

Gene: PKD2 (polycystin 2, transient receptor potential cation channel; plus strand). Cytogenetic location: 4q22.1.
Variant type: single nucleotide variant.
Coding change: c.1359A>G on transcript NM_000297.4 (MANE Select); coding-DNA position 1359, A replaced by G.
Protein change: p.Pro453=; no amino-acid change (proline 453 retained).
Molecular consequence: synonymous variant. On other transcripts: non-coding transcript variant (1).
Genome position (GRCh38, 1-based): chr4:88,046,681, A>G. VCF-style: chr4-88046681-A-G. GRCh37 (hg19) VCF-style: chr4-88967833-A-G.
Other names: p.Pro453=.
Identifiers: ClinVar variation 92792 (VCV000092792.37), dbSNP rs17013754, ClinGen allele CA146017.

ClinVar aggregate classification (germline): Benign/Likely benign. Review status: criteria provided, multiple submitters, no conflicts (2 of 4 stars). 11 submissions from 11 submitters: Benign (6); Likely benign (4). 1 of the submissions does not count toward it. Last evaluated 2026-01-23.

Conditions:
Polycystic kidney disease 2 (PKD2). Also called: POLYCYSTIC KIDNEY DISEASE 2 WITH OR WITHOUT POLYCYSTIC LIVER DISEASE; POLYCYSTIC KIDNEY DISEASE, ADULT, TYPE II; Polycystic Kidney Disease 2, Autosomal Dominant. Identifiers: MedGen C2751306, MONDO:0013131, OMIM 613095.
Autosomal dominant polycystic kidney disease. Identifiers: Orphanet 730, MedGen C0085413, MONDO:0004691.
Polycystic kidney disease. Also called: Kidney, Polycystic; Polycystic kidney dysplasia. Identifiers: MedGen C0022680, MeSH D007690, MONDO:0020642, HP:0000113.

Allele frequency attached by ClinVar (database versions not stated): gnomAD 0.00930 and 0.00985; TOPMed 0.01057; 1000 Genomes Project 0.01198; 1000 Genomes Project 30x 0.01249; ExAC 0.00320; ESP Exome Variant Server 0.01038.
gnomAD v4.1: 2,901 of 1,613,526 alleles (0.18%); highest among the groups gnomAD compares: African/African-American, 3.2%; 33 homozygotes.

Submissions (11):

Labcorp Genetics (formerly Invitae), Labcorp
Classification: Benign for Autosomal dominant polycystic kidney disease. Last evaluated: 2026-01-23. Review status: criteria provided, single submitter. Criteria: Invitae Variant Classification Sherloc (09022015). Collection method: clinical testing. Allele origin: germline.

Mayo Clinic Laboratories, Mayo Clinic
Classification: Benign. Last evaluated: 2025-04-21. Review status: criteria provided, single submitter. Criteria: ACMG Guidelines, 2015. Collection method: clinical testing. Allele origin: germline. Observed: 5 variant alleles.
Comment: BS1, BS2, BP4, BP7

Fulgent Genetics
Classification: Likely benign for Polycystic kidney disease 2. Last evaluated: 2022-04-01. Review status: criteria provided, single submitter. Criteria: ACMG Guidelines, 2015. Collection method: clinical testing. Allele origin: unknown.

GeneDx
Classification: Likely benign. Last evaluated: 2020-09-21. Review status: criteria provided, single submitter. Criteria: GeneDx Variant Classification Process June 2021. Collection method: clinical testing. Allele origin: germline. Affected: yes.

ARUP Laboratories, Molecular Genetics and Genomics, ARUP Laboratories
Classification: Benign for Polycystic kidney disease 2. Last evaluated: 2019-08-02. Review status: criteria provided, single submitter. Criteria: ARUP Molecular Germline Variant Investigation Process. Collection method: clinical testing. Allele origin: germline.

Illumina Laboratory Services, Illumina
Classification: Likely benign for Polycystic kidney disease 2. Last evaluated: 2018-01-12. Review status: criteria provided, single submitter. Criteria: ICSL Variant Classification Criteria 13 December 2019. Collection method: clinical testing. Allele origin: germline.
Comment: This variant was observed in the ICSL laboratory as part of a predisposition screen in an ostensibly healthy population. It had not been previously curated by ICSL or reported in the Human Gene Mutation Database (HGMD: prior to June 1st, 2018), and was therefore a candidate for classification through an automated scoring system. Utilizing variant allele frequency, disease prevalence and penetrance estimates, and inheritance mode, an automated score was calculated to assess if this variant is too frequent to cause the disease. Based on the score and internal cut-off values, a variant classified as likely benign is not then subjected to further curation. The score for this variant resulted in a classification of likely benign for this disease.

Athena Diagnostics
Classification: Benign. Last evaluated: 2017-09-21. Review status: criteria provided, single submitter. Criteria: Athena Diagnostics Criteria. Collection method: clinical testing. Allele origin: germline.

Eurofins Ntd Llc (ga)
Classification: Benign. Last evaluated: 2015-12-14. Review status: criteria provided, single submitter. Criteria: EGL Classification Definitions 2015. Collection method: clinical testing. Allele origin: germline. Observed: 2 variant alleles, 2 heterozygotes.

Breakthrough Genomics
Classification: Likely benign. Review status: criteria provided, single submitter. Criteria: ACMG Guidelines, 2015. Collection method: not provided. Allele origin: germline. Inheritance: Autosomal dominant inheritance. Affected: yes.

PreventionGenetics, part of Exact Sciences
Classification: Benign. Review status: criteria provided, single submitter. Criteria: ACMG Guidelines, 2015. Collection method: clinical testing. Allele origin: germline.

Department of Pathology and Laboratory Medicine, Sinai Health System
Classification: Benign for Polycystic Kidney disease. Review status: no assertion criteria provided. Collection method: clinical testing. Allele origin: unknown. Affected: yes. Study: The Canadian Open Genetics Repository (COGR). Not counted in ClinVar's aggregate classification.
Comment: The PKD2 p.Pro453Pro variant was not identified in the literature nor was it identified in the PKD2-LOVD database. The variant was identified in dbSNP (ID: rs17013754) as â€šÃ„ÃºWith Benign allele.â€šÃ„Ã¹ This variant was identified in the 1000 Genomes Project in 60 of 5000 chromosomes (frequency: 0.012); The HAPMAP-YRI in 6 of 114 chromosomes (frequency: 0.05263158); NHLBI GO Exome Sequencing Project in 2 of 8600 European American (frequency: 0.000232558), and 133 of 4406 African American alleles (frequency: 0.03018611); Exome Aggregation Consortium database (August 8, 2016) in 388 (6 homozygous) of 121396 chromosomes (frequency: 0.003196) in the following populations: African in 346 of 10406 chromosomes (frequency: 0.03325) Latino in 17 of 11572 chromosomes (frequency: 0.001469) South Asian in 13 of 16510 chromosomes (frequency: 0.0007874) European (Non-Finnish) in 9 of 66734 chromosomes (frequency: 0.0001349), and Other in 3 of 908 chromosomes (frequency0.003304) but was not seen in East Asian and European (Finnish) populations, increasing the likelihood this could be a low frequency benign variant; ClinVar and Clinvitae database (Benign by Emory Genetics, Invitae, and Prevention Genetics); GeneInsight COGR database (benign by LMM) and ADPKD Mutation Database (Likely neutral). The p.Pro453Pro variant is not expected to have clinical significance because it does not result in a change of amino acid and is not located in a known consensus splice site. In addition, in silico or computational prediction software programs (SpliceSiteFinder, MaxEntScan, NNSPLICE, GeneSplicer, and HumanSpliceFinder) do not predict a difference in splicing. In summary, based on the above information, this variant meets our laboratory criteria to be classified as benign.

Literature cited by the submitters: PubMed 29321346 (cited by Mayo Clinic Laboratories, Mayo Clinic).